The following is an entry in ClinVar:

NM_001042750.2(STAG2):c.335T>C (p.Ile112Thr)

Gene: STAG2 (STAG2 cohesin complex component; plus strand). Cytogenetic location: Xq25.
Variant type: single nucleotide variant.
Coding change: c.335T>C on transcript NM_001042750.2 (MANE Select); coding-DNA position 335, T replaced by C.
Protein change: p.Ile112Thr; replaces isoleucine 112 with threonine.
Molecular consequence: missense variant.
Genome position (GRCh38, 1-based): chrX:124,037,573, T>C. VCF-style: chrX-124037573-T-C. GRCh37 (hg19) VCF-style: chrX-123171423-T-C.
Other names: c.335T>C, p.Ile112Thr (NM_001042749.2, NM_001042751.2, NM_001282418.2 and 13 more transcripts); short protein forms I112T.
Identifiers: ClinVar variation 3450204 (VCV003450204.8).

ClinVar aggregate classification (germline): Likely benign. Review status: criteria provided, multiple submitters, no conflicts (2 of 4 stars). 2 submissions from 2 submitters: Likely benign (2). Last evaluated 2025-04-01.

Conditions:
Inborn genetic diseases. Identifiers: MedGen C0950123, MeSH D030342.

gnomAD v4.1: 44 of 1,189,707 alleles (0.0037%); highest among the groups gnomAD compares: East Asian, 0.0031%; no homozygotes.

Submissions (2):

CeGaT Center for Human Genetics Tuebingen
Classification: Likely benign. Last evaluated: 2025-04-01. Review status: criteria provided, single submitter. Criteria: CeGaT Center For Human Genetics Tuebingen Variant Classification Criteria Version 2. Collection method: clinical testing. Allele origin: germline. Affected: yes. Observed: 1 variant allele.
Comment: STAG2: PP2, BS2

Ambry Genetics
Classification: Likely benign for Inborn genetic diseases. Last evaluated: 2024-07-30. Review status: criteria provided, single submitter. Criteria: Ambry Variant Classification Scheme 2023. Collection method: clinical testing. Allele origin: germline.